The following is an entry in ClinVar:

NM_001277115.2(DNAH11):c.13321C>G (p.Gln4441Glu)

Genes: CDCA7L (cell division cycle associated 7 like; minus strand), DNAH11 (dynein axonemal heavy chain 11; plus strand). Cytogenetic location: 7p15.3.
Variant type: single nucleotide variant.
Coding change: c.13321C>G on transcript NM_001277115.2 (MANE Select); coding-DNA position 13321, C replaced by G.
Protein change: p.Gln4441Glu; replaces glutamine 4441 with glutamic acid.
Molecular consequence: missense variant. On other transcripts: 3 prime UTR variant (3).
Genome position (GRCh38, 1-based): chr7:21,901,024, C>G. VCF-style: chr7-21901024-C-G. GRCh37 (hg19) VCF-style: chr7-21940642-C-G.
Other names: c.*1298G>C (NM_001127370.3, NM_001127371.3, NM_018719.5); short protein forms Q4441E.
Identifiers: ClinVar variation 2662022 (VCV002662022.1), dbSNP rs1261703349, ClinGen allele CA366956535.

ClinVar aggregate classification (germline): Uncertain significance (1 of 4 stars; one submission).

Allele frequency attached by ClinVar (database versions not stated): TOPMed below 0.00001; gnomAD 0.00001.
gnomAD v4.1: 2 of 1,606,166 alleles (0.00012%); highest among the groups gnomAD compares: Admixed American, 0.0017%; no homozygotes.

Submission:

GeneDx
Classification: Uncertain significance. Last evaluated: 2023-04-27. Review status: criteria provided, single submitter. Criteria: GeneDx Variant Classification Process June 2021. Collection method: clinical testing. Allele origin: germline. Affected: yes.
Comment: Not observed at significant frequency in large population cohorts (gnomAD); In silico analysis supports that this missense variant has a deleterious effect on protein structure/function; Has not been previously published as pathogenic or benign to our knowledge